The following is an entry in ClinVar:

ClinVar aggregate classification (germline): Uncertain significance (1 of 4 stars; one submission).

Allele frequency attached by ClinVar (database versions not stated): gnomAD exomes below 0.00001; TOPMed below 0.00001.
gnomAD v4.1: 1 of 1,614,166 alleles (0.000062%); highest among the groups gnomAD compares: Non-Finnish European, 0.000085%; no homozygotes.

Submission:

Ambry Genetics
Classification: Uncertain significance. Last evaluated: 2023-11-09. Review status: criteria provided, single submitter. Criteria: Ambry Variant Classification Scheme 2023. Collection method: clinical testing. Allele origin: germline.
Comment: The p.D763H variant (also known as c.2287G>C), located in coding exon 4 of the ALPK2 gene, results from a G to C substitution at nucleotide position 2287. The aspartic acid at codon 763 is replaced by histidine, an amino acid with similar properties. This amino acid position is conserved. In addition, this alteration is predicted to be tolerated by in silico analysis. Since supporting evidence is limited at this time, the clinical significance of this alteration remains unclear.

NM_052947.4(ALPK2):c.2287G>C (p.Asp763His)

Gene: ALPK2 (alpha kinase 2; minus strand). Cytogenetic location: 18q21.31.
Variant type: single nucleotide variant.
Coding change: c.2287G>C on transcript NM_052947.4 (MANE Select); coding-DNA position 2287, G replaced by C.
Protein change: p.Asp763His; replaces aspartic acid 763 with histidine.
Molecular consequence: missense variant.
Genome position (GRCh38, 1-based): chr18:58,537,900, C>G on the plus strand (G>C on the coding strand, the complement: ALPK2 is on the minus strand). VCF-style: chr18-58537900-C-G. GRCh37 (hg19) VCF-style: chr18-56205132-C-G.
Other names: short protein forms D763H.
Identifiers: ClinVar variation 1789032 (VCV001789032.2), dbSNP rs2051663011, ClinGen allele CA402571086.